The following is an entry in ClinVar:

NM_004733.4(SLC33A1):c.1298T>C (p.Met433Thr)

Gene: SLC33A1 (solute carrier family 33 member 1; minus strand). Cytogenetic location: 3q25.31.
Variant type: single nucleotide variant.
Coding change: c.1298T>C on transcript NM_004733.4 (MANE Select); coding-DNA position 1298, T replaced by C.
Protein change: p.Met433Thr; replaces methionine 433 with threonine.
Molecular consequence: missense variant.
Genome position (GRCh38, 1-based): chr3:155,829,872, A>G on the plus strand (T>C on the coding strand, the complement: SLC33A1 is on the minus strand). VCF-style: chr3-155829872-A-G. GRCh37 (hg19) VCF-style: chr3-155547661-A-G.
Other names: c.1298T>C, p.Met433Thr (NM_001190992.2); c.992T>C, p.Met331Thr (NM_001363883.1); c.1298T>C (NM_004733.3); short protein forms M433T, M331T.
Identifiers: ClinVar variation 2078306 (VCV002078306.5), dbSNP rs147467519, ClinGen allele CA2677254.
Genomic context (GRCh38, chr3:155,829,872, plus strand): 5'-TTTAAAAGGGTCATGTATGTTCCTCCAATAAGTGGATCACTAACCTTTGCATTGAAAGCC[A>G]TTATAGAAACATACATGCTGTACACTGTAACCTACGGAAAAATGTAAAACATCTTTAGTA-3'
Protein context (NP_004724.1, residues 423-443): VTVYSMYVSI[Met433Thr]AFNAKVSDPL

ClinVar aggregate classification (germline): Uncertain significance. Review status: criteria provided, multiple submitters, no conflicts (2 of 4 stars). 2 submissions from 2 submitters: Uncertain significance (2). Last evaluated 2025-08-25.

Conditions:
Inborn genetic diseases. Identifiers: MedGen C0950123, MeSH D030342.
Spastic paraplegia. Identifiers: MedGen C0037772, HP:0001258.

Allele frequency attached by ClinVar (database versions not stated): gnomAD exomes below 0.00001; TOPMed 0.00001; ExAC 0.00001; ESP Exome Variant Server 0.00008.
gnomAD v4.1: 5 of 1,613,318 alleles (0.00031%); highest among the groups gnomAD compares: Middle Eastern, 0.016%; no homozygotes.

Submissions (2):

Ambry Genetics
Classification: Uncertain significance for Inborn genetic diseases. Last evaluated: 2025-08-25. Review status: criteria provided, single submitter. Criteria: Ambry Variant Classification Scheme 2023. Collection method: clinical testing. Allele origin: germline.

Labcorp Genetics (formerly Invitae), Labcorp
Classification: Uncertain significance for Spastic paraplegia. Last evaluated: 2021-12-13. Review status: criteria provided, single submitter. Criteria: Invitae Variant Classification Sherloc (09022015). Collection method: clinical testing. Allele origin: germline.
Comment: Algorithms developed to predict the effect of missense changes on protein structure and function are either unavailable or do not agree on the potential impact of this missense change (SIFT: "Tolerated"; PolyPhen-2: "Possibly Damaging"; Align-GVGD: "Class C0"). In summary, the available evidence is currently insufficient to determine the role of this variant in disease. Therefore, it has been classified as a Variant of Uncertain Significance. This variant has not been reported in the literature in individuals affected with SLC33A1-related conditions. This sequence change replaces methionine, which is neutral and non-polar, with threonine, which is neutral and polar, at codon 433 of the SLC33A1 protein (p.Met433Thr). This variant is present in population databases (rs147467519, gnomAD 0.0009%).